The following is an entry in ClinVar:

ClinVar aggregate classification (germline): Uncertain significance (1 of 4 stars; one submission).

gnomAD v4.1: 11 of 1,613,976 alleles (0.00068%); highest among the groups gnomAD compares: Non-Finnish European, 0.00093%; no homozygotes.

Submission:

GeneDx
Classification: Uncertain significance. Last evaluated: 2026-07-27. Review status: criteria provided, single submitter. Criteria: GeneDx Variant Classification Process June 2021. Collection method: clinical testing. Allele origin: germline.
Comment: Not observed at significant frequency in large population cohorts (gnomAD); In silico analysis supports that this missense variant has a deleterious effect on protein structure/function; This variant is associated with the following publications: (PMID: 38894838, 34235642)

NM_001378964.1(CDON):c.1814G>T (p.Gly605Val)

Gene: CDON (cell adhesion associated, oncogene regulated; minus strand). Cytogenetic location: 11q24.2.
Variant type: single nucleotide variant.
Coding change: c.1814G>T on transcript NM_001378964.1 (MANE Select); coding-DNA position 1814, G replaced by T.
Protein change: p.Gly605Val; replaces glycine 605 with valine.
Molecular consequence: missense variant.
Genome position (GRCh38, 1-based): chr11:126,005,796, C>A on the plus strand (G>T on the coding strand, the complement: CDON is on the minus strand). VCF-style: chr11-126005796-C-A. GRCh37 (hg19) VCF-style: chr11-125875691-C-A.
Other names: c.1814G>T, p.Gly605Val (NM_001243597.3, NM_001441161.1, NM_001441162.1 and 5 more transcripts); short protein forms G605V.
Identifiers: ClinVar variation 4530818 (VCV004530818.2).